The following is an entry in ClinVar:

ClinVar aggregate classification (germline): Likely benign. Review status: criteria provided, single submitter (1 of 4 stars). 2 submissions from 2 submitters: Likely benign (1). 1 of the submissions does not count toward it. Last evaluated 2023-03-23.

Conditions:
Hereditary cancer-predisposing syndrome. Also called: Hereditary Cancer Syndrome; Hereditary neoplastic syndrome; Neoplastic Syndromes, Hereditary; Tumor predisposition. Identifiers: Orphanet 140162, MedGen C0027672, MeSH D009386, MONDO:0015356.
Hereditary breast ovarian cancer syndrome. Also called: Hereditary breast and ovarian cancer syndrome (HBOC); Breast and ovarian cancer; BRCA1- and BRCA2-Associated Hereditary Breast and Ovarian Cancer; Hereditary breast and/or ovarian cancer syndrome; Hereditary breast and ovarian cancer; Hereditary breast and ovarian cancer syndrome. Identifiers: Orphanet 145, MedGen C0677776, MeSH D061325, MONDO:0003582. Disease mechanism: loss of function.

Submissions (2):

University of Washington Department of Laboratory Medicine, University of Washington
Classification: Likely benign for Hereditary cancer-predisposing syndrome. Last evaluated: 2023-03-23. Review status: criteria provided, single submitter. Criteria: Dines et al. (Genet Med. 2020). Collection method: curation. Allele origin: germline.
Comment: Missense variant in a coldspot region where missense variants are very unlikely to be pathogenic (PMID:31911673).

BRCA2 exon 11 coldspot. Reclassification based on statistical prior probability.

Cancer Genetics and Genomics Laboratory, British Columbia Cancer Agency
Classification: Uncertain significance for Hereditary breast ovarian cancer syndrome. Last evaluated: 2017-04-18. Review status: no assertion criteria provided. Collection method: clinical testing. Allele origin: germline. Study: The Canadian Open Genetics Repository (COGR). Not counted in ClinVar's aggregate classification.

NM_000059.4(BRCA2):c.4685A>G (p.Gln1562Arg)

Gene: BRCA2 (BRCA2 DNA repair associated; plus strand). Cytogenetic location: 13q13.1.
Variant type: single nucleotide variant.
Coding change: c.4685A>G on transcript NM_000059.4 (MANE Select); coding-DNA position 4685, A replaced by G.
Protein change: p.Gln1562Arg; replaces glutamine 1562 with arginine.
Molecular consequence: missense variant.
Genome position (GRCh38, 1-based): chr13:32,339,040, A>G. VCF-style: chr13-32339040-A-G. GRCh37 (hg19) VCF-style: chr13-32913177-A-G.
Other names: short protein forms Q1562R.
Identifiers: ClinVar variation 431192 (VCV000431192.3), dbSNP rs544688816, ClinGen allele CA387782836.